The following is an entry in ClinVar:

NC_012920.1(MT-TG):m.10031T>C

Gene: MT-TG (mitochondrially encoded tRNA glycine; plus strand).
Variant type: single nucleotide variant.
Genome position: chrM-10031-T-C.
Identifiers: ClinVar variation 690103 (VCV000690103.1), dbSNP rs200048690, ClinGen allele CA337098664.

ClinVar aggregate classification (germline): Benign (1 of 4 stars; one submission).

Conditions:
MELAS syndrome (MELAS). Also called: Juvenile myopathy, encephalopathy, lactic acidosis, stroke. Identifiers: Orphanet 550, MedGen C0162671, MONDO:0010789, OMIM 540000.

Submission:

Wong Mito Lab, Molecular and Human Genetics, Baylor College of Medicine
Classification: Benign for MELAS syndrome. Last evaluated: 2019-07-12. Review status: criteria provided, single submitter. Criteria: Modified ACMG Guidelines (Unpublished). Collection method: clinical testing. Allele origin: germline.
Comment: The NC_012920.1:m.10031T>C variant in MT-TG gene is interpreted to be a Benign variant based on the modified ACMG guidelines (unpublished). This variant meets the following evidence codes reported in the guidelines: BS1, BS2, BP4

Literature cited by the submitters: PubMed 31965079.